The following is an entry in ClinVar:

NM_021956.5(GRIK2):c.2625A>T (p.Leu875Phe)

Gene: GRIK2 (glutamate ionotropic receptor kainate type subunit 2; plus strand). Cytogenetic location: 6q16.3.
Variant type: single nucleotide variant.
Coding change: c.2625A>T on transcript NM_021956.5 (MANE Select); coding-DNA position 2625, A replaced by T.
Protein change: p.Leu875Phe; replaces leucine 875 with phenylalanine.
Molecular consequence: missense variant. On other transcripts: 3 prime UTR variant (2).
Genome position (GRCh38, 1-based): chr6:102,068,409, A>T. VCF-style: chr6-102068409-A-T. GRCh37 (hg19) VCF-style: chr6-102516284-A-T.
Other names: c.*78A>T (NM_001166247.1); c.*102A>T (NM_175768.3); short protein forms L875F.
Identifiers: ClinVar variation 1033989 (VCV001033989.1), dbSNP rs1356066581, ClinGen allele CA365310266.

ClinVar aggregate classification (germline): Uncertain significance (1 of 4 stars; one submission).

Conditions:
Intellectual developmental disorder, autosomal recessive 6. Also called: Intellectual disability, autosomal recessive 6. Identifiers: Orphanet 88616, MedGen C1970198, MONDO:0012614, OMIM 611092.

Allele frequency attached by ClinVar (database versions not stated): gnomAD exomes below 0.00001.
gnomAD v4.1: 1 of 1,612,156 alleles (0.000062%); highest among the groups gnomAD compares: Admixed American, 0.0017%; no homozygotes.

Submission:

Baylor Genetics
Classification: Uncertain significance for Intellectual developmental disorder, autosomal recessive 6. Last evaluated: 2018-09-21. Review status: criteria provided, single submitter. Criteria: ACMG Guidelines, 2015. Collection method: clinical testing. Allele origin: unknown. Affected: yes.
Comment: This variant was determined to be of uncertain significance according to ACMG Guidelines, 2015 [PMID:25741868].